The following is an entry in ClinVar:

ClinVar aggregate classification (germline): Benign/Likely benign. Review status: criteria provided, multiple submitters, no conflicts (2 of 4 stars). 3 submissions from 3 submitters: Benign (1); Likely benign (2). Last evaluated 2024-09-20.

Conditions:
Hereditary diffuse gastric adenocarcinoma (HDGC). Also called: DIFFUSE GASTRIC AND LOBULAR BREAST CANCER SYNDROME. Identifiers: Orphanet 26106, MedGen C1708349, MONDO:0007648, OMIM 137215.

Submissions (3):

Myriad Genetics, Inc.
Classification: Benign for Hereditary diffuse gastric adenocarcinoma. Last evaluated: 2024-09-20. Review status: criteria provided, single submitter. Criteria: Myriad Autosomal Dominant, Autosomal Recessive and X-Linked Classification Criteria (2023). Collection method: clinical testing. Allele origin: unknown.
Comment: This variant is considered benign. This variant is a silent/synonymous amino acid change and it is not expected to impact splicing.

GeneDx
Classification: Likely benign. Last evaluated: 2017-08-11. Review status: criteria provided, single submitter. Criteria: GeneDx Variant Classification (06012015). Collection method: clinical testing. Allele origin: germline. Affected: yes.
Comment: This variant is considered likely benign or benign based on one or more of the following criteria: it is a conservative change, it occurs at a poorly conserved position in the protein, it is predicted to be benign by multiple in silico algorithms, and/or has population frequency not consistent with disease.

Labcorp Genetics (formerly Invitae), Labcorp
Classification: Likely benign for Hereditary diffuse gastric adenocarcinoma. Last evaluated: 2016-05-26. Review status: criteria provided, single submitter. Criteria: Invitae Variant Classification Sherloc (09022015). Collection method: clinical testing. Allele origin: germline.

NM_004360.5(CDH1):c.1872T>A (p.Ser624=)

Gene: CDH1 (cadherin 1; plus strand). Cytogenetic location: 16q22.1.
Variant type: single nucleotide variant.
Coding change: c.1872T>A on transcript NM_004360.5 (MANE Select); coding-DNA position 1872, T replaced by A.
Protein change: p.Ser624=; no amino-acid change (serine 624 retained).
Molecular consequence: synonymous variant. On other transcripts: 5 prime UTR variant (1).
Genome position (GRCh38, 1-based): chr16:68,822,161, T>A. VCF-style: chr16-68822161-T-A. GRCh37 (hg19) VCF-style: chr16-68856064-T-A.
Other names: c.1872T>A (LRG_301t1); c.1689T>A, p.Ser563= (NM_001317184.2); c.324T>A, p.Ser108= (NM_001317185.2); c.-94T>A (NM_001317186.2).
Identifiers: ClinVar variation 414058 (VCV000414058.10), dbSNP rs876659970, ClinGen allele CA16614981.